The following is an entry in ClinVar:

NM_006946.4(SPTBN2):c.5931C>G (p.Ser1977Arg)

Gene: SPTBN2 (spectrin beta, non-erythrocytic 2; minus strand). Cytogenetic location: 11q13.2.
Variant type: single nucleotide variant.
Coding change: c.5931C>G on transcript NM_006946.4 (MANE Select); coding-DNA position 5931, C replaced by G.
Protein change: p.Ser1977Arg; replaces serine 1977 with arginine.
Molecular consequence: missense variant.
Genome position (GRCh38, 1-based): chr11:66,689,823, G>C on the plus strand (C>G on the coding strand, the complement: SPTBN2 is on the minus strand). VCF-style: chr11-66689823-G-C. GRCh37 (hg19) VCF-style: chr11-66457294-G-C.
Other names: c.5952C>G, p.Ser1984Arg (NM_001411025.1); short protein forms S1977R, S1984R.
Identifiers: ClinVar variation 3449004 (VCV003449004.2).
Genomic context (GRCh38, chr11:66,689,823, plus strand): 5'-ACTGCACAGTGAGAATGGCCCGGCCACCCAGGCCTCACCCACCTCCTCGGCCGCATAGTG[G>C]CTCCTGGCCAGCAGCTCCTTCCCCATGTCGATGCAGGAGGAGAAGCGGTCTGCCCGGGCC-3'
Protein context (NP_008877.2, residues 1967-1987): IDMGKELLAR[Ser1977Arg]HYAAEEISEK

ClinVar aggregate classification (germline): Uncertain significance. Review status: criteria provided, multiple submitters, no conflicts (2 of 4 stars). 2 submissions from 2 submitters: Uncertain significance (2). Last evaluated 2026-01-30.

Conditions:
Inborn genetic diseases. Identifiers: MedGen C0950123, MeSH D030342.

gnomAD v4.1: 13 of 1,613,818 alleles (0.00081%); highest among the groups gnomAD compares: African/African-American, 0.0027%; no homozygotes.

Submissions (2):

Women's Health and Genetics/Laboratory Corporation of America, LabCorp
Classification: Uncertain significance. Last evaluated: 2026-01-30. Review status: criteria provided, single submitter. Criteria: LabCorp Variant Classification Summary - May 2015. Collection method: clinical testing. Allele origin: germline.
Comment: Variant summary: SPTBN2 c.5931C>G (p.Ser1977Arg) results in a non-conservative amino acid change in the encoded protein sequence. Algorithms developed to predict the effect of missense changes on protein structure and function are either unavailable or do not agree on the potential impact of this missense change. The variant allele was found at a frequency of 2e-05 in 251358 control chromosomes. The available data on variant occurrences in the general population are insufficient to allow any conclusion about variant significance. To our knowledge, no occurrence of c.5931C>G in individuals affected with SPTBN2-related conditions and no experimental evidence demonstrating its impact on protein function have been reported. ClinVar contains an entry for this variant (Variation ID: 3449004). Based on the evidence outlined above, the variant was classified as uncertain significance.

Ambry Genetics
Classification: Uncertain significance for Inborn genetic diseases. Last evaluated: 2024-10-21. Review status: criteria provided, single submitter. Criteria: Ambry Variant Classification Scheme 2023. Collection method: clinical testing. Allele origin: germline.